The following is an entry in ClinVar:

NM_001005242.3(PKP2):c.529A>G (p.Thr177Ala)

Gene: PKP2 (plakophilin 2; minus strand). Cytogenetic location: 12p11.21.
Variant type: single nucleotide variant.
Coding change: c.529A>G on transcript NM_001005242.3 (MANE Select); coding-DNA position 529, A replaced by G.
Protein change: p.Thr177Ala; replaces threonine 177 with alanine.
Molecular consequence: missense variant.
Genome position (GRCh38, 1-based): chr12:32,878,351, T>C on the plus strand (A>G on the coding strand, the complement: PKP2 is on the minus strand). VCF-style: chr12-32878351-T-C. GRCh37 (hg19) VCF-style: chr12-33031285-T-C.
Other names: c.529A>G, p.Thr177Ala (NM_004572.4); short protein forms T177A.
Identifiers: ClinVar variation 924612 (VCV000924612.8), dbSNP rs1956954122, ClinGen allele CA384364698.

ClinVar aggregate classification (germline): Uncertain significance. Review status: criteria provided, multiple submitters, no conflicts (2 of 4 stars). 3 submissions from 3 submitters: Uncertain significance (3). Last evaluated 2024-03-07.

Conditions:
Cardiomyopathy (CMYO). Also called: Cardiomyopathies. Identifiers: Orphanet 167848, MedGen C0878544, MONDO:0004994, HP:0001638. Inheritance: Various modes of inheritance.
Cardiovascular phenotype. Identifiers: MedGen CN230736.
Arrhythmogenic right ventricular cardiomyopathy (ARVD). Also called: Arrhythmogenic cardiomyopathy; Cardiomyopathy, ARVC; Arrhythmogenic right ventricular dysplasia; Arrhythmogenic Right Ventricular Cardiomyopathy (ARVC). Identifiers: Orphanet 247, MedGen C0349788, MeSH D019571, MONDO:0016587. Disease mechanism: loss of function. Inheritance: Various modes of inheritance.

Allele frequency attached by ClinVar (database versions not stated): gnomAD exomes below 0.00001.
gnomAD v4.1: 4 of 1,613,292 alleles (0.00025%); highest among the groups gnomAD compares: Non-Finnish European, 0.00025%; no homozygotes.

Submissions (3):

Color Diagnostics, LLC DBA Color Health
Classification: Uncertain significance for Cardiomyopathy. Last evaluated: 2024-03-07. Review status: criteria provided, single submitter. Criteria: ACMG Guidelines, 2015. Collection method: clinical testing. Allele origin: germline.
Comment: This missense variant replaces threonine with alanine at codon 177 of the PKP2 protein. Computational prediction suggests that this variant may not impact protein structure and function (internally defined REVEL score threshold <= 0.5, PMID: 27666373). To our knowledge, functional studies have not been reported for this variant. This variant has not been reported in individuals affected with PKP2-related disorders in the literature. This variant has not been identified in the general population by the Genome Aggregation Database (gnomAD). The available evidence is insufficient to determine the role of this variant in disease conclusively. Therefore, this variant is classified as a Variant of Uncertain Significance.

All of Us Research Program, National Institutes of Health
Classification: Uncertain significance for Arrhythmogenic right ventricular cardiomyopathy. Last evaluated: 2023-06-08. Review status: criteria provided, single submitter. Criteria: ACMG Guidelines, 2015. Collection method: clinical testing. Allele origin: germline. Inheritance: Autosomal dominant inheritance. Observed: 1 variant allele, 1 heterozygote.
Comment: Variant of Uncertain Significance due to insufficient evidence: This missense variant is located in the head domain of the PKP2 protein. Computational prediction tools and conservation analyses suggest that this variant may not impact the protein function. Computational splicing tools suggest that this variant may not impact RNA splicing. To our knowledge, functional assays have not been performed for this variant nor has this variant been reported in individuals affected with cardiovascular disorders in the literature. This variant is rare in the general population and has been identified in 0/277264 chromosomes by the Genome Aggregation Database (gnomAD). Available evidence is insufficient to determine the pathogenicity of this variant conclusively.

This study involves interpretation of variants in research participants for the purpose of population health screening. Participant phenotype was not available at the time of variant classification. Additional details can be found in publication PMID: 35346344, PMCID: PMC8962531

Ambry Genetics
Classification: Uncertain significance for Cardiovascular phenotype. Last evaluated: 2020-09-14. Review status: criteria provided, single submitter. Criteria: Ambry Variant Classification Scheme 2023. Collection method: clinical testing. Allele origin: germline.
Comment: The p.T177A variant (also known as c.529A>G), located in coding exon 3 of the PKP2 gene, results from an A to G substitution at nucleotide position 529. The threonine at codon 177 is replaced by alanine, an amino acid with similar properties. This amino acid position is not well conserved in available vertebrate species, and alanine is the reference amino acid in other vertebrate species. In addition, this alteration is predicted to be tolerated by in silico analysis. Since supporting evidence is limited at this time, the clinical significance of this alteration remains unclear.